The following is an entry in ClinVar:

NM_002234.4(KCNA5):c.213_245dup (p.Asp72_Pro82dup)

Gene: KCNA5 (potassium voltage-gated channel subfamily A member 5; plus strand). Cytogenetic location: 12p13.32.
Variant type: Duplication.
Coding change: c.213_245dup on transcript NM_002234.4 (MANE Select); coding-DNA positions 213 to 245, 33 bases duplicated.
Protein change: p.Asp72_Pro82dup.
Molecular consequence: inframe insertion.
Genome position (GRCh38, 1-based): chr12:5,044,360-5,044,392, 33 bases duplicated; duplicating any 33 consecutive bases within chr12:5,044,332-5,044,392 gives the same sequence; the c. name uses the placement nearest the transcript's 3' end. GRCh37 (hg19): chr12:5,153,526-5,153,558.
Identifiers: ClinVar variation 469589 (VCV000469589.8), dbSNP rs144879674, ClinGen allele CA603482564.

ClinVar aggregate classification (germline): Uncertain significance (1 of 4 stars; one submission).

Conditions:
Atrial fibrillation, familial, 7 (ATFB7). Identifiers: MedGen C2677106, MONDO:0012828, OMIM 612240.

Submission:

Labcorp Genetics (formerly Invitae), Labcorp
Classification: Uncertain significance for Atrial fibrillation, familial, 7. Last evaluated: 2026-01-13. Review status: criteria provided, single submitter. Criteria: Invitae Variant Classification Sherloc (09022015). Collection method: clinical testing. Allele origin: germline.
Comment: This variant, c.213_245dup, results in the insertion of 11 amino acid(s) of the KCNA5 protein (p.Asp72_Pro82dup), but otherwise preserves the integrity of the reading frame. This variant is present in population databases (no rsID available, gnomAD 0.05%). This variant has not been reported in the literature in individuals affected with KCNA5-related conditions. ClinVar contains an entry for this variant (Variation ID: 469589). Experimental studies and prediction algorithms are not available or were not evaluated, and the functional significance of this variant is currently unknown. In summary, the available evidence is currently insufficient to determine the role of this variant in disease. Therefore, it has been classified as a Variant of Uncertain Significance.